The following is an entry in ClinVar:

ClinVar aggregate classification (germline): Uncertain significance. Review status: criteria provided, multiple submitters, no conflicts (2 of 4 stars). 2 submissions from 2 submitters: Uncertain significance (2). Last evaluated 2025-12-23.

Conditions:
Myofibrillar myopathy 5. Also called: Filaminopathy (type); FILAMINOPATHY, AUTOSOMAL DOMINANT. Identifiers: Orphanet 171445, MedGen C1836050, MONDO:0012289, OMIM 609524.
Distal myopathy with posterior leg and anterior hand involvement. Also called: WILLIAMS DISTAL MYOPATHY. Identifiers: Orphanet 63273, MedGen C3279722, MONDO:0013550, OMIM 614065.
Hypertrophic cardiomyopathy 26. Also called: Cardiomyopathy, familial hypertrophic, 26. Identifiers: Orphanet 75249, MedGen C4310749, MONDO:0014883, OMIM 617047.

Allele frequency attached by ClinVar (database versions not stated): TOPMed below 0.00001.

Submissions (2):

Labcorp Genetics (formerly Invitae), Labcorp
Classification: Uncertain significance for Distal myopathy with posterior leg and anterior hand involvement; Myofibrillar myopathy 5; Hypertrophic cardiomyopathy 26. Last evaluated: 2025-12-23. Review status: criteria provided, single submitter. Criteria: Invitae Variant Classification Sherloc (09022015). Collection method: clinical testing. Allele origin: germline.
Comment: This sequence change replaces methionine, which is neutral and non-polar, with threonine, which is neutral and polar, at codon 2283 of the FLNC protein (p.Met2283Thr). This variant is not present in population databases (gnomAD no frequency). This variant has not been reported in the literature in individuals affected with FLNC-related conditions. ClinVar contains an entry for this variant (Variation ID: 1509878). Invitae Evidence Modeling of protein sequence and biophysical properties (such as structural, functional, and spatial information, amino acid conservation, physicochemical variation, residue mobility, and thermodynamic stability) indicates that this missense variant is not expected to disrupt FLNC protein function with a negative predictive value of 95%. In summary, the available evidence is currently insufficient to determine the role of this variant in disease. Therefore, it has been classified as a Variant of Uncertain Significance.

GeneDx
Classification: Uncertain significance. Last evaluated: 2025-08-09. Review status: criteria provided, single submitter. Criteria: GeneDx Variant Classification Process June 2021. Collection method: clinical testing. Allele origin: germline. Affected: yes.
Comment: Not observed at significant frequency in large population cohorts (gnomAD); In silico analysis supports that this missense variant has a deleterious effect on protein structure/function; Has not been previously published as pathogenic or benign to our knowledge

NM_001458.5(FLNC):c.6848T>C (p.Met2283Thr)

Genes: FLNC (filamin C; plus strand), FLNC-AS1 (FLNC antisense RNA 1; minus strand). Cytogenetic location: 7q32.1.
Variant type: single nucleotide variant.
Coding change: c.6848T>C on transcript NM_001458.5 (MANE Select); coding-DNA position 6848, T replaced by C.
Protein change: p.Met2283Thr; replaces methionine 2283 with threonine.
Molecular consequence: missense variant.
Genome position (GRCh38, 1-based): chr7:128,854,533, T>C. VCF-style: chr7-128854533-T-C. GRCh37 (hg19) VCF-style: chr7-128494587-T-C.
Other names: c.6848T>C (NM_001458.4); c.6749T>C, p.Met2250Thr (NM_001127487.2); short protein forms M2283T, M2250T.
Identifiers: ClinVar variation 1509878 (VCV001509878.7), dbSNP rs1174754248, ClinGen allele CA369213916.